The following is an entry in ClinVar:

ClinVar aggregate classification (germline): Likely benign (0 of 4 stars; one submission).

Conditions:
VEZF1-related disorder. Also called: VEZF1-related condition.

Allele frequency attached by ClinVar (database versions not stated): ExAC 0.00224; gnomAD exomes 0.00376; gnomAD 0.00757.

Submission:

PreventionGenetics, part of Exact Sciences
Classification: Likely benign for VEZF1-related condition. Last evaluated: 2023-04-11. Review status: no assertion criteria provided. Collection method: clinical testing. Allele origin: germline.
Comment: This variant is classified as likely benign based on ACMG/AMP sequence variant interpretation guidelines (Richards et al. 2015 PMID: 25741868, with internal and published modifications).

NM_007146.3(VEZF1):c.1044del (p.Gln348fs)

Gene: VEZF1 (vascular endothelial zinc finger 1; minus strand). Cytogenetic location: 17q22.
Variant type: Deletion.
Coding change: c.1044del on transcript NM_007146.3 (MANE Select); coding-DNA position 1044, one base deleted (G; older notation c.1044delG).
Protein change: p.Gln348fs; shifts the reading frame from glutamine 348.
Molecular consequence: frameshift variant.
Genome position (GRCh38, 1-based): chr17:57,979,246, C deleted on the plus strand (G on the coding strand, the reverse complement: VEZF1 is on the minus strand). VCF-style (leftmost placement, unchanged base first): chr17-57979245-GC-G. GRCh37 (hg19) VCF-style: chr17-56056606-GC-G.
Other names: c.1017del, p.Gln339fs (NM_001330393.2); short protein forms Q339fs, Q348fs.
Identifiers: ClinVar variation 3056872 (VCV003056872.2), dbSNP rs746343850, ClinGen allele CA8667398.